The following is an entry in ClinVar:

NM_033118.4(MYLK2):c.284C>A (p.Ala95Glu)

Gene: MYLK2 (myosin light chain kinase 2; plus strand). Cytogenetic location: 20q11.21.
Variant type: single nucleotide variant.
Coding change: c.284C>A on transcript NM_033118.4 (MANE Select); coding-DNA position 284, C replaced by A.
Protein change: p.Ala95Glu; replaces alanine 95 with glutamic acid.
Molecular consequence: missense variant.
Genome position (GRCh38, 1-based): chr20:31,820,357, C>A. VCF-style: chr20-31820357-C-A. GRCh37 (hg19) VCF-style: chr20-30408160-C-A.
Other names: p.A95E:GCA>GAA; short protein forms A95E.
Identifiers: ClinVar variation 4244 (VCV000004244.37), dbSNP rs121908108, ClinGen allele CA116736.
Genomic context (GRCh38, chr20:31,820,357, plus strand): 5'-GCCCCAAAGGAGAGGGTGACAGGGGCGGGGGGCCCGCGGAGGGCAGTGCTGGGCCCCCGG[C>A]AGCCCTGCCCCAGCAGACTGCGACACCTGAGACCAGCGTCAAGAAGCCCAAGGCTGAGCA-3'
Protein context (NP_149109.1, residues 85-105): GPAEGSAGPP[Ala95Glu]ALPQQTATPE

ClinVar aggregate classification (germline): Benign/Likely benign. Review status: criteria provided, multiple submitters, no conflicts (2 of 4 stars). 14 submissions from 14 submitters: Benign (4); Likely benign (6). 4 of the submissions do not count toward it. Last evaluated 2026-01-28.

Conditions:
MYLK2-related disorder. Also called: MYLK2-related condition.
Cardiomyopathy (CMYO). Also called: Cardiomyopathies. Identifiers: Orphanet 167848, MedGen C0878544, MONDO:0004994, HP:0001638. Inheritance: Various modes of inheritance.
Hypertrophic cardiomyopathy 1 (CMH1). Also called: Familial hypertrophic cardiomyopathy 1; MYH7-Related Familial Hypertrophic Cardiomyopathy. Identifiers: MedGen C3495498, MONDO:0008647, OMIM 192600.

Allele frequency attached by ClinVar (database versions not stated): gnomAD exomes 0.00028 and 0.00058; ExAC 0.00078; gnomAD 0.00196 and 0.00202; TOPMed 0.00219; 1000 Genomes Project 30x 0.00265; 1000 Genomes Project 0.00280.

Submissions (14):

Labcorp Genetics (formerly Invitae), Labcorp
Classification: Benign for Hypertrophic cardiomyopathy 1. Last evaluated: 2026-01-28. Review status: criteria provided, single submitter. Criteria: Invitae Variant Classification Sherloc (09022015). Collection method: clinical testing. Allele origin: germline.

Genomic Medicine Center of Excellence, King Faisal Specialist Hospital and Research Centre
Classification: Likely benign. Last evaluated: 2025-08-18. Review status: criteria provided, single submitter. Criteria: ACMG Guidelines, 2015. Collection method: clinical testing. Allele origin: germline.

Blueprint Genetics
Classification: Likely benign. Last evaluated: 2024-08-26. Review status: criteria provided, single submitter. Criteria: ACMG Guidelines, 2015. Collection method: clinical testing. Allele origin: germline.

Women's Health and Genetics/Laboratory Corporation of America, LabCorp
Classification: Likely benign. Last evaluated: 2022-08-15. Review status: criteria provided, single submitter. Criteria: LabCorp Variant Classification Summary - May 2015. Collection method: clinical testing. Allele origin: germline.

ARUP Laboratories, Molecular Genetics and Genomics, ARUP Laboratories
Classification: Benign for Hypertrophic cardiomyopathy 1. Last evaluated: 2021-01-20. Review status: criteria provided, single submitter. Criteria: ARUP Molecular Germline Variant Investigation Process 2021. Collection method: clinical testing. Allele origin: germline.

CHEO Genetics Diagnostic Laboratory, Children's Hospital of Eastern Ontario
Classification: Benign for Cardiomyopathy. Last evaluated: 2019-11-04. Review status: criteria provided, single submitter. Criteria: ACMG Guidelines, 2015. Collection method: clinical testing. Allele origin: germline.

GeneDx
Classification: Benign. Last evaluated: 2019-08-05. Review status: criteria provided, single submitter. Criteria: GeneDx Variant Classification Process June 2021. Collection method: clinical testing. Allele origin: germline. Affected: yes.
Comment: This variant is associated with the following publications: (PMID: 23299917, 22995991, 11733062, 27884173, 25910212)

Laboratory for Molecular Medicine, Mass General Brigham Personalized Medicine
Classification: Likely benign. Last evaluated: 2017-01-27. Review status: criteria provided, single submitter. Criteria: LMM Criteria. Collection method: clinical testing. Allele origin: germline. Observed: 3 variant alleles.
Comment: p.Ala95Glu in exon 3 of MYLK2: This variant is not expected to have clinical sig nificance because it has been identified in 0.8% (75/9276) of African chromosome s by the Exome Aggregation Consortium (ExAC; dbS NP rs121908108).

Eurofins Ntd Llc (ga)
Classification: Likely benign. Last evaluated: 2015-04-09. Review status: criteria provided, single submitter. Criteria: EGL Classification Definitions 2015. Collection method: clinical testing. Allele origin: germline. Observed: 1 variant allele, 1 heterozygote.

Breakthrough Genomics
Classification: Likely benign. Review status: criteria provided, single submitter. Criteria: ACMG Guidelines, 2015. Collection method: not provided. Allele origin: germline. Inheritance: Autosomal dominant inheritance. Affected: yes.

PreventionGenetics, part of Exact Sciences
Classification: Likely benign for MYLK2-related condition. Last evaluated: 2024-06-03. Review status: no assertion criteria provided. Collection method: clinical testing. Allele origin: germline. Not counted in ClinVar's aggregate classification.
Comment: This variant is classified as likely benign based on ACMG/AMP sequence variant interpretation guidelines (Richards et al. 2015 PMID: 25741868, with internal and published modifications).

Clinical Genetics DNA and cytogenetics Diagnostics Lab, Erasmus MC, Erasmus Medical Center
Classification: Likely benign. Review status: no assertion criteria provided. Collection method: clinical testing. Allele origin: germline. Affected: yes. Study: VKGL Data-share Consensus. Not counted in ClinVar's aggregate classification.

Genome Diagnostics Laboratory, University Medical Center Utrecht
Classification: Likely benign. Review status: no assertion criteria provided. Collection method: clinical testing. Allele origin: germline. Affected: yes. Study: VKGL Data-share Consensus. Not counted in ClinVar's aggregate classification.

Joint Genome Diagnostic Labs from Nijmegen and Maastricht, Radboudumc and MUMC+
Classification: Likely benign. Review status: no assertion criteria provided. Collection method: clinical testing. Allele origin: germline. Affected: yes. Study: VKGL Data-share Consensus. Not counted in ClinVar's aggregate classification.

Literature cited by the submitters: PubMed 22995991 (cited by Laboratory for Molecular Medicine, Mass General Brigham Personalized Medicine); PubMed 11733062 (cited by Laboratory for Molecular Medicine, Mass General Brigham Personalized Medicine); PubMed 23299917 (cited by Laboratory for Molecular Medicine, Mass General Brigham Personalized Medicine).